The following is an entry in ClinVar:

ClinVar aggregate classification (germline): Benign. Review status: criteria provided, multiple submitters, no conflicts (2 of 4 stars). 6 submissions from 6 submitters: Benign (3). 3 of the submissions do not count toward it. Last evaluated 2026-01-24.

Conditions:
Retinal dystrophy. Also called: Inherited retinal dystrophy. Identifiers: Orphanet 71862, MedGen C0854723, MeSH D058499, MONDO:0019118, HP:0000556.
Retinitis pigmentosa (RP). Identifiers: Orphanet 791, MedGen C0035334, MeSH D012174, MONDO:0019200, OMIM 268000. Inheritance: Autosomal dominant, autosomal recessive and X linked inheritance.

Allele frequency attached by ClinVar (database versions not stated): gnomAD 0.00050 and 0.00100; TOPMed 0.00063; ESP Exome Variant Server 0.00069; gnomAD exomes 0.00173 and 0.00248; 1000 Genomes Project 30x 0.00234; 1000 Genomes Project 0.00260; ExAC 0.00270.
gnomAD v4.1: 2,687 of 1,614,108 alleles (0.17%); highest among the groups gnomAD compares: South Asian, 1.5%; 26 homozygotes.

Submissions (6):

Labcorp Genetics (formerly Invitae), Labcorp
Classification: Benign. Last evaluated: 2026-01-24. Review status: criteria provided, single submitter. Criteria: Invitae Variant Classification Sherloc (09022015). Collection method: clinical testing. Allele origin: germline.

CeGaT Center for Human Genetics Tuebingen
Classification: Benign. Last evaluated: 2025-09-01. Review status: criteria provided, single submitter. Criteria: CeGaT Center For Human Genetics Tuebingen Variant Classification Criteria Version 2. Collection method: clinical testing. Allele origin: germline. Affected: yes. Observed: 1 variant allele.
Comment: PDE6A: BP4, BP7, BS1, BS2

Illumina Laboratory Services, Illumina
Classification: Benign for Retinitis pigmentosa. Last evaluated: 2017-04-27. Review status: criteria provided, single submitter. Criteria: ICSL Variant Classification Criteria 13 December 2019. Collection method: clinical testing. Allele origin: germline.
Comment: This variant was observed as part of a predisposition screen in an ostensibly healthy population. A literature search was performed for the gene, cDNA change, and amino acid change (where applicable). No publications were found based on this search. Allele frequency data from public databases was too high to be consistent with this variant causing disease. Therefore, this variant is classified as benign.

Institute of Human Genetics, Univ. Regensburg, Univ. Regensburg
Classification: Likely benign for Retinal dystrophy. Last evaluated: 2013-01-01. Review status: no assertion criteria provided. Criteria: ACMG Guidelines, 2015. Collection method: clinical testing. Allele origin: germline. Affected: yes. Not counted in ClinVar's aggregate classification.

Clinical Genetics DNA and cytogenetics Diagnostics Lab, Erasmus MC, Erasmus Medical Center
Classification: Benign. Review status: no assertion criteria provided. Collection method: clinical testing. Allele origin: germline. Affected: yes. Study: VKGL Data-share Consensus. Not counted in ClinVar's aggregate classification.

Clinical Genetics, Academic Medical Center
Classification: Likely benign. Review status: no assertion criteria provided. Collection method: clinical testing. Allele origin: germline. Affected: yes. Study: VKGL Data-share Consensus. Not counted in ClinVar's aggregate classification.

NM_000440.3(PDE6A):c.177A>G (p.Glu59=)

Gene: PDE6A (phosphodiesterase 6A; minus strand). Cytogenetic location: 5q32.
Variant type: single nucleotide variant.
Coding change: c.177A>G on transcript NM_000440.3 (MANE Select); coding-DNA position 177, A replaced by G.
Protein change: p.Glu59=; no amino-acid change (glutamic acid 59 retained).
Molecular consequence: synonymous variant.
Genome position (GRCh38, 1-based): chr5:149,944,497, T>C on the plus strand (A>G on the coding strand, the complement: PDE6A is on the minus strand). VCF-style: chr5-149944497-T-C. GRCh37 (hg19) VCF-style: chr5-149324060-T-C.
Identifiers: ClinVar variation 782818 (VCV000782818.25), dbSNP rs146550067, ClinGen allele CA3505122.